The following is an entry in ClinVar:

NM_015602.4(TOR1AIP1):c.425C>T (p.Pro142Leu)

Genes: TOR1AIP1 (torsin 1A interacting protein 1; plus strand), LOC112577517 (Sharpr-MPRA regulatory region 13766; plus strand). Cytogenetic location: 1q25.2.
Variant type: single nucleotide variant.
Coding change: c.425C>T on transcript NM_015602.4 (MANE Select); coding-DNA position 425, C replaced by T.
Protein change: p.Pro142Leu; replaces proline 142 with leucine.
Molecular consequence: missense variant.
Genome position (GRCh38, 1-based): chr1:179,882,927, C>T. VCF-style: chr1-179882927-C-T. GRCh37 (hg19) VCF-style: chr1-179852062-C-T.
Other names: c.425C>T, p.Pro142Leu (NM_001267578.2); short protein forms P142L.
Identifiers: ClinVar variation 864421 (VCV000864421.7), dbSNP rs199709287, ClinGen allele CA1268748.

ClinVar aggregate classification (germline): Uncertain significance (1 of 4 stars; one submission).

Conditions:
Autosomal recessive limb-girdle muscular dystrophy type 2Y (MRRSDC). Also called: Muscular dystrophy, limb-girdle, type 2y; Muscular dystrophy, autosomal recessive, with rigid spine and distal joint contractures. Identifiers: Orphanet 424261, MedGen C4511482, MONDO:0014900, OMIM 617072.

Allele frequency attached by ClinVar (database versions not stated): TOPMed 0.00010.
gnomAD v4.1: 19 of 1,613,912 alleles (0.0012%); highest among the groups gnomAD compares: African/African-American, 0.021%; no homozygotes.

Submission:

Labcorp Genetics (formerly Invitae), Labcorp
Classification: Uncertain significance for Autosomal recessive limb-girdle muscular dystrophy type 2Y. Last evaluated: 2022-08-16. Review status: criteria provided, single submitter. Criteria: Invitae Variant Classification Sherloc (09022015). Collection method: clinical testing. Allele origin: germline.
Comment: In summary, the available evidence is currently insufficient to determine the role of this variant in disease. Therefore, it has been classified as a Variant of Uncertain Significance. This sequence change replaces proline, which is neutral and non-polar, with leucine, which is neutral and non-polar, at codon 142 of the TOR1AIP1 protein (p.Pro142Leu). This variant is present in population databases (rs199709287, gnomAD 0.03%). This variant has not been reported in the literature in individuals affected with TOR1AIP1-related conditions. ClinVar contains an entry for this variant (Variation ID: 864421). Algorithms developed to predict the effect of missense changes on protein structure and function output the following: SIFT: "Deleterious"; PolyPhen-2: "Benign"; Align-GVGD: "Class C0". The leucine amino acid residue is found in multiple mammalian species, which suggests that this missense change does not adversely affect protein function.